The following is an entry in ClinVar:

ClinVar aggregate classification (germline): Uncertain significance (1 of 4 stars; one submission).

Submission:

Ambry Genetics
Classification: Uncertain significance. Last evaluated: 2024-01-01. Review status: criteria provided, single submitter. Criteria: Ambry Variant Classification Scheme 2023. Collection method: clinical testing. Allele origin: germline.
Comment: The p.A451V variant (also known as c.1352C>T), located in coding exon 6 of the PALLD gene, results from a C to T substitution at nucleotide position 1352. The alanine at codon 451 is replaced by valine, an amino acid with similar properties. This amino acid position is conserved. In addition, this alteration is predicted to be tolerated by in silico analysis. Since supporting evidence is limited at this time, the clinical significance of this alteration remains unclear.

NM_001166108.2(PALLD):c.1352C>T (p.Ala451Val)

Gene: PALLD (palladin, cytoskeletal associated protein; plus strand). Cytogenetic location: 4q32.3.
Variant type: single nucleotide variant.
Coding change: c.1352C>T on transcript NM_001166108.2 (MANE Select); coding-DNA position 1352, C replaced by T.
Protein change: p.Ala451Val; replaces alanine 451 with valine.
Molecular consequence: missense variant.
Genome position (GRCh38, 1-based): chr4:168,690,619, C>T. VCF-style: chr4-168690619-C-T. GRCh37 (hg19) VCF-style: chr4-169611770-C-T.
Other names: c.206C>T, p.Ala69Val (NM_001166109.2); c.1352C>T, p.Ala451Val (NM_016081.4); short protein forms A451V, A69V.
Identifiers: ClinVar variation 3226728 (VCV003226728.1), dbSNP rs2531650669, ClinGen allele CA358795309.